The following is an entry in ClinVar:

ClinVar aggregate classification (germline): Pathogenic. Review status: reviewed by expert panel (3 of 4 stars). 29 submissions from 26 submitters: Pathogenic (1). 28 of the submissions do not count toward it. Last evaluated 2026-07-20.

Conditions:
CEP290-related ciliopathy. Also called: CEP290 ciliopathy. Identifiers: MedGen CN305601, MONDO:0100451.
Meckel-Gruber syndrome. Also called: DYSENCEPHALIA SPLANCHNOCYSTICA; GRUBER SYNDROME; Dysencephalia splachnocystica. Identifiers: Orphanet 564, MedGen C0265215, MONDO:0018921.
Nephronophthisis. Also called: Juvenile Nephronophthisis. Identifiers: Orphanet 655, MedGen C0687120, MONDO:0019005, HP:0000090.
Joubert syndrome. Also called: JOUBERT-BOLTSHAUSER SYNDROME; Familial aplasia of the vermis. Identifiers: Orphanet 475, MedGen C5979921, MONDO:0018772.
CEP290-related disorder. Also called: CEP290-related disorders; CEP290-related condition. Identifiers: MedGen CN239314.
Retinal dystrophy. Also called: Inherited retinal dystrophy. Identifiers: Orphanet 71862, MedGen C0854723, MeSH D058499, MONDO:0019118, HP:0000556.
Inborn genetic diseases. Identifiers: MedGen C0950123, MeSH D030342.
Bardet-Biedl syndrome 14 (BBS14). Identifiers: Orphanet 110, MedGen C2673874, MONDO:0014442, OMIM 615991.
Joubert syndrome 5 (JBTS5). Identifiers: MONDO:0012432, OMIM 610188, Orphanet 2318, MedGen C1857780.
Meckel syndrome, type 4 (MKS4). Also called: MECKEL-GRUBER SYNDROME, TYPE 4. Identifiers: Orphanet 564, MedGen C1970161, MONDO:0012626, OMIM 611134.
Leber congenital amaurosis 10 (LCA10). Identifiers: Orphanet 65, MedGen C1857821, MONDO:0012723, OMIM 611755.
Senior-Loken syndrome 6 (SLSN6). Identifiers: Orphanet 3156, MedGen C1857779, MONDO:0012433, OMIM 610189.
Leber congenital amaurosis (LCA). Also called: Leber's amaurosis. Identifiers: Orphanet 65, MedGen C0339527, MeSH D057130, MONDO:0018998.
Molar tooth sign on MRI. Identifiers: MedGen C1865060, HP:0002419.
Central hypotonia. Identifiers: MedGen C1842364, HP:0011398.
Nystagmus. Identifiers: MedGen C0028738, MONDO:0004843, HP:0000639.
Blindness. Also called: Blindness (disorder). Identifiers: MedGen C0456909, MONDO:0001941, HP:0000618.

Allele frequency attached by ClinVar (database versions not stated): gnomAD exomes 0.00006 and 0.00011; gnomAD 0.00008 and 0.00009; TOPMed 0.00008; ExAC 0.00011.
gnomAD v4.1: 173 of 1,590,190 alleles (0.011%); highest among the groups gnomAD compares: Non-Finnish European, 0.014%; no homozygotes.

Submissions 1 to 10 of 29:

ClinGen Leber Congenital Amaurosis/early Onset Retinal Dystrophy Variant Curation Expert Panel, ClinGen
Classification: Pathogenic for CEP290-related ciliopathy. Last evaluated: 2026-07-20. Review status: reviewed by expert panel. Criteria: ClinGen LCAeoRD ACMG Specifications CEP290 V1.0.0. Collection method: curation. Allele origin: germline. Inheritance: Autosomal recessive inheritance.
Comment: NM_025114.4(CEP290):c.4723A>T (p.Lys1575Ter) is a nonsense variant that introduces a premature stop codon in exon 36 of 54 and is predicted to lead to nonsense-mediated decay in a gene in which loss-of-function is an established mechanism of disease (PVS1). This variant is present in gnomAD v.4.1.1 at a total allele frequency of 0.00011, with 173 alleles / 1,590,190 total alleles, which is lower than the ClinGen LCA/eoRD VCEP PM2_Supporting threshold of <0.0006 (PM2_Supporting). The variant has been reported to segregate with childhood-onset severe retinal dystrophy through the proband plus 1 similarly affected relative, with the variant present in the compound heterozygous state (PMID: 32865313, PP1). In summary, this variant meets the criteria to be classified as Pathogenic for CEP290-related ciliopathy based on the ACMG/AMP criteria applied, as specified by the ClinGen LCA/eoRD VCEP: PVS1, PM2_Supporting, and PP1. (LCA/eoRD VCEP Specifications for CEP290 Version 1.0.0)

PreventionGenetics, part of Exact Sciences
Classification: Pathogenic for CEP290-related condition. Last evaluated: 2026-05-01. Review status: criteria provided, single submitter. Criteria: ACMG Guidelines, 2015. Collection method: clinical testing. Allele origin: germline. Not counted in ClinVar's aggregate classification.
Comment: The CEP290 c.4723A>T variant is predicted to result in premature protein termination (p.Lys1575*). This variant has been reported to be causative for Leber congenital amaurosis and Joubert syndrome (Perrault et al. 2007. PubMed ID: 17345604; Bachmann-Gagescu et al. 2015. PubMed ID: 26092869; Roosing et al. 2017. PubMed ID: 28829391). This variant is reported in 0.011% of alleles in individuals of European (non-Finnish) descent in gnomAD. Nonsense variants in CEP290 are expected to be pathogenic and this variant has been classified as pathogenic in ClinVar (Variation ID: 1339). Given the evidence, the c.4723A>T (p.Lys1575*) variant is interpreted as pathogenic.

Labcorp Genetics (formerly Invitae), Labcorp
Classification: Pathogenic for Joubert syndrome; Meckel-Gruber syndrome; Nephronophthisis. Last evaluated: 2026-01-12. Review status: criteria provided, single submitter. Criteria: Invitae Variant Classification Sherloc (09022015). Collection method: clinical testing. Allele origin: germline. Not counted in ClinVar's aggregate classification.
Comment: This sequence change creates a premature translational stop signal (p.Lys1575*) in the CEP290 gene. It is expected to result in an absent or disrupted protein product. Loss-of-function variants in CEP290 are known to be pathogenic (PMID: 16909394, 17345604, 20690115). This variant is present in population databases (rs137852834, gnomAD 0.01%). This premature translational stop signal has been observed in individual(s) with CEP290-related disorders (PMID: 17345604, 20683928, 23188109, 25920555, 26092869, 28497568, 28829391, 29398085). ClinVar contains an entry for this variant (Variation ID: 1339). Algorithms developed to predict the effect of sequence changes on RNA splicing suggest that this variant may disrupt the consensus splice site. For these reasons, this variant has been classified as Pathogenic.

CeGaT Center for Human Genetics Tuebingen
Classification: Pathogenic. Last evaluated: 2025-09-01. Review status: criteria provided, single submitter. Criteria: CeGaT Center For Human Genetics Tuebingen Variant Classification Criteria Version 2. Collection method: clinical testing. Allele origin: germline. Affected: yes. Observed: 1 variant allele. Not counted in ClinVar's aggregate classification.
Comment: CEP290: PVS1, PM3:Strong, PM2

Natera, Inc.
Classification: Pathogenic for Leber congenital amaurosis. Last evaluated: 2025-08-07. Review status: criteria provided, single submitter. Criteria: Natera Variant Classification Schema (03/2026). Collection method: clinical testing. Allele origin: germline. Not counted in ClinVar's aggregate classification.
Comment: The c.4723A>T variant in CEP290 is a nonsense variant predicted to introduce a stop codon at amino acid 1575. This variant is expected to result in nonsense mediated decay, truncation, or a dysfunctional protein product. This variant is rare in the general population with a frequency below the threshold expected for the associated phenotype(s). This variant has been observed in one or more individuals affected with the associated recessive disease, as either homozygous or compound heterozygous with a second variant (PMID: 33308271). Given the available evidence, this variant is classified as Pathogenic.

Centre of Medical Genetics, University Hospital Muenster
Classification: Pathogenic. Last evaluated: 2025-01-27. Review status: criteria provided, single submitter. Criteria: ACMG Guidelines, 2015. Collection method: clinical testing. Allele origin: unknown. Affected: yes. Observed: 1 variant allele, 1 heterozygote. Not counted in ClinVar's aggregate classification.
Comment: ACMG categories: PVS1,PM2_sup,PM3_strong

Ambry Genetics
Classification: Pathogenic for Inborn genetic diseases. Last evaluated: 2024-11-27. Review status: criteria provided, single submitter. Criteria: Ambry Variant Classification Scheme 2023. Collection method: clinical testing. Allele origin: germline. Not counted in ClinVar's aggregate classification.
Comment: The c.4723A>T (p.K1575*) alteration, located in exon 36 (coding exon 35) of the CEP290 gene, consists of a A to T substitution at nucleotide position 4723. This changes the amino acid from a lysine (K) to a stop codon at amino acid position 1575. This alteration is expected to result in loss of function by premature protein truncation or nonsense-mediated mRNA decay. Based on data from gnomAD, the T allele has an overall frequency of 0.006% (15/247902) total alleles studied. The highest observed frequency was 0.015% (1/6510) of Other alleles. This variant has been identified in the homozygous state and in conjunction with other CEP290 variants in individuals with features consistent with CEP290-related ciliopathy; in at least one instance, the variants were identified in trans (Feldhaus, 2020; Yohe, 2020; Sallum, 2020; Skorczyk-Werner, 2020; Barny, 2019; Sheck, 2018; Duijkers, 2018; Summers, 2017; Roosing, 2017; Stone, 2017; Bachmann-Gagescu, 2015; Coppieters, 2010; Perrault, 2007). Based on the available evidence, this alteration is classified as pathogenic.

3billion
Classification: Pathogenic for Leber congenital amaurosis 10. Last evaluated: 2024-09-05. Review status: criteria provided, single submitter. Criteria: ACMG Guidelines, 2015. Collection method: clinical testing. Allele origin: germline. Affected: yes. Not counted in ClinVar's aggregate classification.
Comment: The variant is observed at an extremely low frequency in the gnomAD v4.0.0 dataset (total allele frequency: 0.011%). Predicted Consequence/Location: Stop-gained (nonsense): predicted to result in a loss or disruption of normal protein function through nonsense-mediated decay (NMD) or protein truncation. Multiple pathogenic variants are reported downstream of the variant. The variant has been reported at least twice as pathogenic with clinical assertions and evidence for the classification (ClinVar ID: VCV000001339 /PMID: 17345604). Therefore, this variant is classified as Pathogenic according to the recommendation of ACMG/AMP guideline.

Baylor Genetics
Classification: Pathogenic for Bardet-Biedl syndrome 14. Last evaluated: 2024-03-27. Review status: criteria provided, single submitter. Criteria: ACMG Guidelines, 2015. Collection method: clinical testing. Allele origin: unknown. Not counted in ClinVar's aggregate classification.

Fulgent Genetics
Classification: Pathogenic for Joubert syndrome 5; Senior-Loken syndrome 6; Meckel syndrome, type 4; Leber congenital amaurosis 10; Bardet-Biedl syndrome 14. Last evaluated: 2024-01-15. Review status: criteria provided, single submitter. Criteria: ACMG Guidelines, 2015. Collection method: clinical testing. Allele origin: germline. Not counted in ClinVar's aggregate classification.

NM_025114.4(CEP290):c.4723A>T (p.Lys1575Ter)

Gene: CEP290 (centrosomal protein 290; minus strand). Cytogenetic location: 12q21.32.
Variant type: single nucleotide variant.
Coding change: c.4723A>T on transcript NM_025114.4 (MANE Select); coding-DNA position 4723, A replaced by T.
Protein change: p.Lys1575Ter; replaces lysine 1575 with a stop codon.
Molecular consequence: nonsense.
Genome position (GRCh38, 1-based): chr12:88,083,936, T>A on the plus strand (A>T on the coding strand, the complement: CEP290 is on the minus strand). VCF-style: chr12-88083936-T-A. GRCh37 (hg19) VCF-style: chr12-88477713-T-A.
Other names: NM_025114.4(CEP290):c.4723A>T; p.Lys1575Ter; short protein forms K1575*.
Identifiers: ClinVar variation 1339 (VCV000001339.54), dbSNP rs137852834, ClinGen allele CA251751.